The following is an entry in ClinVar:

ClinVar aggregate classification (germline): Uncertain significance. Review status: criteria provided, multiple submitters, no conflicts (2 of 4 stars). 2 submissions from 2 submitters: Uncertain significance (2). Last evaluated 2023-12-18.

Conditions:
Hereditary cancer-predisposing syndrome. Also called: Neoplastic Syndromes, Hereditary; Tumor predisposition; Hereditary Cancer Syndrome; Hereditary neoplastic syndrome. Identifiers: Orphanet 140162, MedGen C0027672, MeSH D009386, MONDO:0015356.

Submissions (2):

Ambry Genetics
Classification: Uncertain significance for Hereditary cancer-predisposing syndrome. Last evaluated: 2023-12-18. Review status: criteria provided, single submitter. Criteria: Ambry Variant Classification Scheme 2023. Collection method: clinical testing. Allele origin: germline.
Comment: The p.D1083E variant (also known as c.3249T>A), located in coding exon 15 of the APC gene, results from a T to A substitution at nucleotide position 3249. The aspartic acid at codon 1083 is replaced by glutamic acid, an amino acid with highly similar properties. This amino acid position is highly conserved in available vertebrate species. In addition, in silico predictors for this gene do not accurately predict pathogenicity. Since supporting evidence is limited at this time, the clinical significance of this alteration remains unclear.

Color Diagnostics, LLC DBA Color Health
Classification: Uncertain significance for Hereditary cancer-predisposing syndrome. Last evaluated: 2021-08-24. Review status: criteria provided, single submitter. Criteria: ACMG Guidelines, 2015. Collection method: clinical testing. Allele origin: germline.
Comment: This missense variant replaces aspartic acid with glutamic acid at codon 1083 of the APC protein. Computational prediction suggests that this variant may not impact protein structure and function (internally defined REVEL score threshold <= 0.5, PMID: 27666373). To our knowledge, functional studies have not been reported for this variant. This variant has not been reported in individuals affected with hereditary cancer in the literature. This variant has not been identified in the general population by the Genome Aggregation Database (gnomAD). The available evidence is insufficient to determine the role of this variant in disease conclusively. Therefore, this variant is classified as a Variant of Uncertain Significance.

NM_000038.6(APC):c.3249T>A (p.Asp1083Glu)

Gene: APC (APC regulator of Wnt signaling pathway; plus strand). Cytogenetic location: 5q22.2.
Variant type: single nucleotide variant.
Coding change: c.3249T>A on transcript NM_000038.6 (MANE Select); coding-DNA position 3249, T replaced by A.
Protein change: p.Asp1083Glu; replaces aspartic acid 1083 with glutamic acid.
Molecular consequence: missense variant. On other transcripts: non-coding transcript variant (2).
Genome position (GRCh38, 1-based): chr5:112,838,843, T>A. VCF-style: chr5-112838843-T-A. GRCh37 (hg19) VCF-style: chr5-112174540-T-A.
Other names: c.3249T>A (NM_000038.5); c.3249T>A, p.Asp1083Glu (NM_001127510.3, NM_001354895.2, NM_001407450.1); c.3195T>A, p.Asp1065Glu (NM_001127511.3); c.3303T>A, p.Asp1101Glu (NM_001354896.2, NM_001407447.1, NM_001407448.1 and 1 more transcripts); c.3279T>A, p.Asp1093Glu (NM_001354897.2); c.3174T>A, p.Asp1058Glu (NM_001354898.2); c.3165T>A, p.Asp1055Glu (NM_001354899.2); c.3126T>A, p.Asp1042Glu (NM_001354900.2); and 12 more; short protein forms D1058E, D1065E, D1083E, D1093E, D992E, D1076E, D1000E, D1024E.
Identifiers: ClinVar variation 2774909 (VCV002774909.3), dbSNP rs201629780, ClinGen allele CA16028460.